The following is an entry in ClinVar:

NM_016216.4(DBR1):c.689del (p.Lys230fs)

Gene: DBR1 (debranching RNA lariats 1; minus strand). Cytogenetic location: 3q22.3.
Variant type: Deletion.
Coding change: c.689del on transcript NM_016216.4 (MANE Select); coding-DNA position 689, one base deleted (A; older notation c.689delA).
Protein change: p.Lys230fs; shifts the reading frame from lysine 230.
Molecular consequence: frameshift variant.
Genome position (GRCh38, 1-based): chr3:138,167,106, T deleted on the plus strand (A on the coding strand, the reverse complement: DBR1 is on the minus strand); the first of 2 consecutive T bases (chr3:138,167,106-138,167,107); deleting either gives the same sequence. VCF-style (leftmost placement, unchanged base first): chr3-138167105-CT-C. GRCh37 (hg19) VCF-style: chr3-137885947-CT-C.
Other names: short protein forms K230fs.
Identifiers: ClinVar variation 2021997 (VCV002021997.4), dbSNP rs1559883120, ClinGen allele CA917018290.

ClinVar aggregate classification (germline): Uncertain significance (1 of 4 stars; one submission).

Submission:

Labcorp Genetics (formerly Invitae), Labcorp
Classification: Uncertain significance. Last evaluated: 2022-08-05. Review status: criteria provided, single submitter. Criteria: Invitae Variant Classification Sherloc (09022015). Collection method: clinical testing. Allele origin: germline.
Comment: In summary, the available evidence is currently insufficient to determine the role of this variant in disease. Therefore, it has been classified as a Variant of Uncertain Significance. Algorithms developed to predict the effect of sequence changes on RNA splicing suggest that this variant may create or strengthen a splice site. This variant has not been reported in the literature in individuals affected with DBR1-related conditions. This variant is not present in population databases (gnomAD no frequency). This sequence change creates a premature translational stop signal (p.Lys230Serfs*5) in the DBR1 gene. It is expected to result in an absent or disrupted protein product. However, the current clinical and genetic evidence is not sufficient to establish whether loss-of-function variants in DBR1 cause disease.